The following is an entry in ClinVar:

NM_000182.5(HADHA):c.1829G>A (p.Arg610Gln)

Genes: HADHA (hydroxyacyl-CoA dehydrogenase trifunctional multienzyme complex subunit alpha; minus strand), GAREM2 (GRB2 associated regulator of MAPK1 subtype 2; plus strand). Cytogenetic location: 2p23.3.
Variant type: single nucleotide variant.
Coding change: c.1829G>A on transcript NM_000182.5 (MANE Select); coding-DNA position 1829, G replaced by A.
Protein change: p.Arg610Gln; replaces arginine 610 with glutamine.
Molecular consequence: missense variant.
Genome position (GRCh38, 1-based): chr2:26,193,633, C>T on the plus strand (G>A on the coding strand, the complement: HADHA is on the minus strand). VCF-style: chr2-26193633-C-T. GRCh37 (hg19) VCF-style: chr2-26416502-C-T.
Other names: short protein forms R610Q.
Identifiers: ClinVar variation 335376 (VCV000335376.14), dbSNP rs373966336, ClinGen allele CA1559449.

ClinVar aggregate classification (germline): Uncertain significance. Review status: criteria provided, multiple submitters, no conflicts (2 of 4 stars). 5 submissions from 4 submitters: Uncertain significance (4). 1 of the submissions does not count toward it. Last evaluated 2024-10-29.

Conditions:
Long chain 3-hydroxyacyl-CoA dehydrogenase deficiency. Also called: Deficiency of long-chain 3-hydroxyacyl-coenzyme A dehydrogenase; LCHAD Deficiency. Identifiers: Orphanet 5, MedGen C3711645, MONDO:0012173, OMIM 609016.
Mitochondrial trifunctional protein deficiency. Identifiers: Orphanet 746, MedGen C1969443, MONDO:0012172.

Allele frequency attached by ClinVar (database versions not stated): TOPMed below 0.00001; gnomAD 0.00001; gnomAD exomes 0.00001 and 0.00002; ExAC 0.00002; ESP Exome Variant Server 0.00008.
gnomAD v4.1: 10 of 1,613,970 alleles (0.00062%); highest among the groups gnomAD compares: Middle Eastern, 0.016%; no homozygotes.

Submissions (5):

Labcorp Genetics (formerly Invitae), Labcorp
Classification: Uncertain significance for Mitochondrial trifunctional protein deficiency; Long chain 3-hydroxyacyl-CoA dehydrogenase deficiency. Last evaluated: 2024-10-29. Review status: criteria provided, single submitter. Criteria: Invitae Variant Classification Sherloc (09022015). Collection method: clinical testing. Allele origin: germline.
Comment: This sequence change replaces arginine, which is basic and polar, with glutamine, which is neutral and polar, at codon 610 of the HADHA protein (p.Arg610Gln). This variant is present in population databases (rs373966336, gnomAD 0.007%). This variant has not been reported in the literature in individuals affected with HADHA-related conditions. ClinVar contains an entry for this variant (Variation ID: 335376). Invitae Evidence Modeling of protein sequence and biophysical properties (such as structural, functional, and spatial information, amino acid conservation, physicochemical variation, residue mobility, and thermodynamic stability) has been performed for this missense variant. However, the output from this modeling did not meet the statistical confidence thresholds required to predict the impact of this variant on HADHA protein function. In summary, the available evidence is currently insufficient to determine the role of this variant in disease. Therefore, it has been classified as a Variant of Uncertain Significance.

Fulgent Genetics
Classification: Uncertain significance for Mitochondrial trifunctional protein deficiency 1; Long chain 3-hydroxyacyl-CoA dehydrogenase deficiency. Last evaluated: 2021-11-16. Review status: criteria provided, single submitter. Criteria: ACMG Guidelines, 2015. Collection method: clinical testing. Allele origin: unknown.

Illumina Laboratory Services, Illumina
Classification: Uncertain significance for Mitochondrial trifunctional protein deficiency 1. Last evaluated: 2018-01-13. Review status: criteria provided, single submitter. Criteria: ICSL Variant Classification Criteria 13 December 2019. Collection method: clinical testing. Allele origin: germline.

Illumina Laboratory Services, Illumina
Classification: Uncertain significance for Long chain 3-hydroxyacyl-CoA dehydrogenase deficiency. Last evaluated: 2018-01-13. Review status: criteria provided, single submitter. Criteria: ICSL Variant Classification Criteria 13 December 2019. Collection method: clinical testing. Allele origin: germline.

Natera, Inc.
Classification: Uncertain significance for Deficiency of long-chain 3-hydroxyacyl-coenzyme A dehydrogenase. Last evaluated: 2020-05-02. Review status: no assertion criteria provided. Collection method: clinical testing. Allele origin: germline. Not counted in ClinVar's aggregate classification.